The following is an entry in ClinVar:

NM_001367624.2(ZNF469):c.8068G>A (p.Glu2690Lys)

Gene: ZNF469 (zinc finger protein 469; plus strand). Cytogenetic location: 16q24.2.
Variant type: single nucleotide variant.
Coding change: c.8068G>A on transcript NM_001367624.2 (MANE Select); coding-DNA position 8068, G replaced by A.
Protein change: p.Glu2690Lys; replaces glutamic acid 2690 with lysine.
Molecular consequence: missense variant.
Genome position (GRCh38, 1-based): chr16:88,435,538, G>A. VCF-style: chr16-88435538-G-A. GRCh37 (hg19) VCF-style: chr16-88501946-G-A.
Other names: NM_001127464.1:c.7984G>A; p.Glu2690Lys; short protein forms E2690K.
Identifiers: ClinVar variation 2980833 (VCV002980833.6), dbSNP rs1473811930, ClinGen allele CA397115807.

ClinVar aggregate classification (germline): Uncertain significance. Review status: criteria provided, multiple submitters, no conflicts (2 of 4 stars). 4 submissions from 4 submitters: Uncertain significance (4). Last evaluated 2025-12-18.

Conditions:
Cardiovascular phenotype. Identifiers: MedGen CN230736.

Allele frequency attached by ClinVar (database versions not stated): gnomAD 0.00001; gnomAD exomes 0.00001; TOPMed 0.00001.
gnomAD v4.1: 10 of 1,549,486 alleles (0.00065%); highest among the groups gnomAD compares: Non-Finnish European, 0.0007%; no homozygotes.

Submissions (4):

Mayo Clinic Laboratories, Mayo Clinic
Classification: Uncertain significance. Last evaluated: 2025-12-18. Review status: criteria provided, single submitter. Criteria: ACMG Guidelines, 2015. Collection method: clinical testing. Allele origin: germline. Observed: 1 variant allele.
Comment: BP4_moderate

Women's Health and Genetics/Laboratory Corporation of America, LabCorp
Classification: Uncertain significance. Last evaluated: 2025-11-24. Review status: criteria provided, single submitter. Criteria: LabCorp Variant Classification Summary - May 2015. Collection method: clinical testing. Allele origin: germline.
Comment: Variant summary: ZNF469 c.8068G>A (p.Glu2690Lys) results in a conservative amino acid change in the encoded protein sequence. Algorithms developed to predict the effect of missense changes on protein structure and function are either unavailable or do not agree on the potential impact of this missense change. The variant was absent in 152518 control chromosomes. The available data on variant occurrences in the general population are insufficient to allow any conclusion about variant significance. To our knowledge, no occurrence of c.8068G>A in individuals affected with ZNF469-related conditions and no experimental evidence demonstrating its impact on protein function have been reported. ClinVar contains an entry for this variant (Variation ID: 2980833). Based on the evidence outlined above, the variant was classified as uncertain significance.

Labcorp Genetics (formerly Invitae), Labcorp
Classification: Uncertain significance. Last evaluated: 2024-10-21. Review status: criteria provided, single submitter. Criteria: Invitae Variant Classification Sherloc (09022015). Collection method: clinical testing. Allele origin: germline.
Comment: This sequence change replaces glutamic acid, which is acidic and polar, with lysine, which is basic and polar, at codon 2662 of the ZNF469 protein (p.Glu2662Lys). This variant is present in population databases (no rsID available, gnomAD 0.007%). This variant has not been reported in the literature in individuals affected with ZNF469-related conditions. An algorithm developed to predict the effect of missense changes on protein structure and function (PolyPhen-2) suggests that this variant is likely to be tolerated. In summary, the available evidence is currently insufficient to determine the role of this variant in disease. Therefore, it has been classified as a Variant of Uncertain Significance.

Ambry Genetics
Classification: Uncertain significance for Cardiovascular phenotype. Last evaluated: 2023-12-25. Review status: criteria provided, single submitter. Criteria: Ambry Variant Classification Scheme 2023. Collection method: clinical testing. Allele origin: germline.
Comment: The p.E2662K variant (also known as c.7984G>A), located in coding exon 2 of the ZNF469 gene, results from a G to A substitution at nucleotide position 7984. The glutamic acid at codon 2662 is replaced by lysine, an amino acid with similar properties. This amino acid position is conserved. In addition, this alteration is predicted to be tolerated by in silico analysis. Since supporting evidence is limited at this time, the clinical significance of this alteration remains unclear.